The following is an entry in ClinVar:

NM_001042631.3(SDHAF1):c.278A>G (p.Asp93Gly)

Genes: SDHAF1 (succinate dehydrogenase complex assembly factor 1; plus strand), LOC130064281 (ATAC-STARR-seq lymphoblastoid silent region 10546; plus strand). Cytogenetic location: 19q13.12.
Variant type: single nucleotide variant.
Coding change: c.278A>G on transcript NM_001042631.3 (MANE Select); coding-DNA position 278, A replaced by G.
Protein change: p.Asp93Gly; replaces aspartic acid 93 with glycine.
Molecular consequence: missense variant.
Genome position (GRCh38, 1-based): chr19:35,995,552, A>G. VCF-style: chr19-35995552-A-G. GRCh37 (hg19) VCF-style: chr19-36486454-A-G.
Other names: short protein forms D93G.
Identifiers: ClinVar variation 3664080 (VCV003664080.2).

ClinVar aggregate classification (germline): Uncertain significance (1 of 4 stars; one submission).

Submission:

Labcorp Genetics (formerly Invitae), Labcorp
Classification: Uncertain significance. Last evaluated: 2024-11-04. Review status: criteria provided, single submitter. Criteria: Invitae Variant Classification Sherloc (09022015). Collection method: clinical testing. Allele origin: germline.
Comment: This sequence change replaces aspartic acid, which is acidic and polar, with glycine, which is neutral and non-polar, at codon 93 of the SDHAF1 protein (p.Asp93Gly). This variant is not present in population databases (gnomAD no frequency). This variant has not been reported in the literature in individuals affected with SDHAF1-related conditions. An algorithm developed to predict the effect of missense changes on protein structure and function outputs the following: PolyPhen-2: "Benign". The glycine amino acid residue is found in multiple mammalian species, which suggests that this missense change does not adversely affect protein function. In summary, the available evidence is currently insufficient to determine the role of this variant in disease. Therefore, it has been classified as a Variant of Uncertain Significance.